The following is an entry in ClinVar:

ClinVar aggregate classification (germline): Uncertain significance (1 of 4 stars; one submission).

Conditions:
Hereditary cancer-predisposing syndrome. Also called: Neoplastic Syndromes, Hereditary; Tumor predisposition; Hereditary Cancer Syndrome; Hereditary neoplastic syndrome. Identifiers: Orphanet 140162, MedGen C0027672, MeSH D009386, MONDO:0015356.

Submission:

Ambry Genetics
Classification: Uncertain significance for Hereditary cancer-predisposing syndrome. Last evaluated: 2026-01-26. Review status: criteria provided, single submitter. Criteria: Ambry Variant Classification Scheme 2023. Collection method: clinical testing. Allele origin: germline.
Comment: The c.3313+4A>C intronic variant results from an A to C substitution 4 nucleotides after coding exon 14 in the MET gene. This nucleotide position is well conserved in available vertebrate species. In silico splice site analysis predicts that this alteration will not have any significant effect on splicing. Based on the available evidence, the clinical significance of this variant remains unclear.

NM_000245.4(MET):c.3259+4A>C

Gene: MET (MET proto-oncogene, receptor tyrosine kinase; plus strand). Cytogenetic location: 7q31.2.
Variant type: single nucleotide variant.
Coding change: c.3259+4A>C on transcript NM_000245.4 (MANE Select); 4 bases into the intron after coding-DNA position 3259, A replaced by C.
Molecular consequence: intron variant.
Genome position (GRCh38, 1-based): chr7:116,775,115, A>C. VCF-style: chr7-116775115-A-C. GRCh37 (hg19) VCF-style: chr7-116415169-A-C.
Other names: c.3313+4A>C (NM_001127500.3); c.1969+4A>C (NM_001324402.2).
Identifiers: ClinVar variation 4825346 (VCV004825346.1).